The following is an entry in ClinVar:

ClinVar aggregate classification (germline): Likely pathogenic (1 of 4 stars; one submission).

Conditions:
Intellectual developmental disorder, autosomal recessive 66. Also called: Intellectual disability, autosomal recessive 66; Mental retardation, autosomal recessive 66. Identifiers: MedGen C4748732, MONDO:0032605, OMIM 618221.

Submission:

Laboratory of Medical Genetics, National & Kapodistrian University of Athens
Classification: Likely pathogenic for Intellectual developmental disorder, autosomal recessive 66. Last evaluated: 2022-04-06. Review status: criteria provided, single submitter. Criteria: ACMG Guidelines, 2015. Collection method: clinical testing. Allele origin: germline. Affected: yes.
Comment: PVS1, PM2, PP3

NM_020374.4(FERRY3):c.1168_1169delinsC (p.Gly390fs)

Gene: FERRY3 (FERRY endosomal RAB5 effector complex subunit 3; minus strand). Cytogenetic location: 12p13.32.
Variant type: Indel.
Coding change: c.1168_1169delinsC on transcript NM_020374.4 (MANE Select); coding-DNA positions 1168 to 1169, GG replaced by C.
Protein change: p.Gly390fs; shifts the reading frame from glycine 390.
Molecular consequence: frameshift variant. On other transcripts: non-coding transcript variant (3).
Genome position (GRCh38, 1-based): chr12:4,505,374-4,505,375, CC replaced by G on the plus strand (GG replaced by C on the coding strand, the reverse complement: FERRY3 is on the minus strand). VCF-style: chr12-4505374-CC-G. GRCh37 (hg19) VCF-style: chr12-4614540-CC-G.
Other names: c.1168_1169delinsC, p.Gly390fs (NM_001304811.2); c.1039_1040delinsC, p.Gly347fs (NM_001346153.2, NM_001346155.2); c.649_650delinsC, p.Gly217fs (NM_001346156.2); c.520_521delinsC, p.Gly174fs (NM_001346157.2); c.316_317delinsC, p.Gly106fs (NM_001352962.2); short protein forms G106fs, G174fs, G217fs, G347fs, G390fs.
Identifiers: ClinVar variation 1708135 (VCV001708135.1), dbSNP rs770751706, ClinGen allele CA2580085149.